The following is an entry in ClinVar:

ClinVar aggregate classification (germline): Uncertain significance (1 of 4 stars; one submission).

Allele frequency attached by ClinVar (database versions not stated): gnomAD exomes below 0.00001.
gnomAD v4.1: 1 of 1,613,654 alleles (0.000062%); highest among the groups gnomAD compares: African/African-American, 0.0013%; no homozygotes.

Submission:

GeneDx
Classification: Uncertain significance. Last evaluated: 2022-10-14. Review status: criteria provided, single submitter. Criteria: GeneDx Variant Classification Process June 2021. Collection method: clinical testing. Allele origin: germline. Affected: yes.
Comment: Not observed at significant frequency in large population cohorts (gnomAD); In silico analysis supports that this missense variant has a deleterious effect on protein structure/function; Has not been previously published as pathogenic or benign to our knowledge

NM_015057.5(MYCBP2):c.3793G>C (p.Gly1265Arg)

Gene: MYCBP2 (MYC binding protein 2; minus strand). Cytogenetic location: 13q22.3.
Variant type: single nucleotide variant.
Coding change: c.3793G>C on transcript NM_015057.5 (MANE Select); coding-DNA position 3793, G replaced by C.
Protein change: p.Gly1265Arg; replaces glycine 1265 with arginine.
Molecular consequence: missense variant.
Genome position (GRCh38, 1-based): chr13:77,205,306, C>G on the plus strand (G>C on the coding strand, the complement: MYCBP2 is on the minus strand). VCF-style: chr13-77205306-C-G. GRCh37 (hg19) VCF-style: chr13-77779441-C-G.
Other names: short protein forms G1265R.
Identifiers: ClinVar variation 2499334 (VCV002499334.1), dbSNP rs2549248716, ClinGen allele CA388417368.